The following is an entry in ClinVar:

ClinVar aggregate classification (germline): Uncertain significance. Review status: criteria provided, multiple submitters, no conflicts (2 of 4 stars). 2 submissions from 2 submitters: Uncertain significance (2). Last evaluated 2025-12-03.

gnomAD v4.1: 9 of 1,605,134 alleles (0.00056%); highest among the groups gnomAD compares: Non-Finnish European, 0.00077%; no homozygotes.

Submissions (2):

Ambry Genetics
Classification: Uncertain significance. Last evaluated: 2025-12-03. Review status: criteria provided, single submitter. Criteria: Ambry Variant Classification Scheme 2023. Collection method: clinical testing. Allele origin: germline.

Labcorp Genetics (formerly Invitae), Labcorp
Classification: Uncertain significance. Last evaluated: 2024-07-09. Review status: criteria provided, single submitter. Criteria: Invitae Variant Classification Sherloc (09022015). Collection method: clinical testing. Allele origin: germline.
Comment: This sequence change replaces aspartic acid, which is acidic and polar, with glycine, which is neutral and non-polar, at codon 366 of the SRP72 protein (p.Asp366Gly). This variant is present in population databases (no rsID available, gnomAD 0.002%). This variant has not been reported in the literature in individuals affected with SRP72-related conditions. Advanced modeling of protein sequence and biophysical properties (such as structural, functional, and spatial information, amino acid conservation, physicochemical variation, residue mobility, and thermodynamic stability) performed at Invitae indicates that this missense variant is not expected to disrupt SRP72 protein function with a negative predictive value of 80%. In summary, the available evidence is currently insufficient to determine the role of this variant in disease. Therefore, it has been classified as a Variant of Uncertain Significance.

NM_006947.4(SRP72):c.1097A>G (p.Asp366Gly)

Gene: SRP72 (signal recognition particle 72; plus strand). Cytogenetic location: 4q12.
Variant type: single nucleotide variant.
Coding change: c.1097A>G on transcript NM_006947.4 (MANE Select); coding-DNA position 1097, A replaced by G.
Protein change: p.Asp366Gly; replaces aspartic acid 366 with glycine.
Molecular consequence: missense variant. On other transcripts: non-coding transcript variant (1).
Genome position (GRCh38, 1-based): chr4:56,486,335, A>G. VCF-style: chr4-56486335-A-G. GRCh37 (hg19) VCF-style: chr4-57352501-A-G.
Other names: c.914A>G, p.Asp305Gly (NM_001267722.2); c.1097A>G (NM_006947.3); short protein forms D305G, D366G.
Identifiers: ClinVar variation 3688801 (VCV003688801.4).